The following is an entry in ClinVar:

NM_012263.5(TTLL1):c.894G>A (p.Pro298=)

Genes: TTLL1 (TTL family tubulin polyglutamylase complex subunit L1; minus strand), TTLL1-AS1 (TTLL1 antisense RNA 1; plus strand). Cytogenetic location: 22q13.2.
Variant type: single nucleotide variant.
Coding change: c.894G>A on transcript NM_012263.5 (MANE Select); coding-DNA position 894, G replaced by A.
Protein change: p.Pro298=; no amino-acid change (proline 298 retained).
Molecular consequence: synonymous variant. On other transcripts: non-coding transcript variant (1).
Genome position (GRCh38, 1-based): chr22:43,051,885, C>T on the plus strand (G>A on the coding strand, the complement: TTLL1 is on the minus strand). VCF-style: chr22-43051885-C-T. GRCh37 (hg19) VCF-style: chr22-43447891-C-T.
Identifiers: ClinVar variation 403577 (VCV000403577.6), dbSNP rs9607998, ClinGen allele CA10271760.

ClinVar aggregate classification (germline): Benign. Review status: criteria provided, multiple submitters, no conflicts (2 of 4 stars). 2 submissions from 2 submitters: Benign (2). Last evaluated 2016-03-29.

Allele frequency attached by ClinVar (database versions not stated): 1000 Genomes Project 0.01558; 1000 Genomes Project 30x 0.01562; TOPMed 0.02965; gnomAD 0.03327; ESP Exome Variant Server 0.03575.
gnomAD v4.1: 72,322 of 1,613,604 alleles (4.5%); highest among the groups gnomAD compares: Non-Finnish European, 5.3%; 1,898 homozygotes.

Submissions 1 to 33 of 61:

Laboratory for Molecular Medicine, Mass General Brigham Personalized Medicine
Classification: Benign. Last evaluated: 2016-03-29. Review status: criteria provided, single submitter. Criteria: LMM Criteria. Collection method: clinical testing. Allele origin: germline.
Comment: Variant identified in a genome or exome case(s) and assessed due to predicted null impact of the variant or pathogenic assertions in the literature or databases. Disclaimer: This variant has not undergone full assessment. The following are preliminary notes: Frequency, silent

Breakthrough Genomics
Classification: Benign. Review status: criteria provided, single submitter. Criteria: ACMG Guidelines, 2015. Collection method: not provided. Allele origin: germline. Inheritance: Unknown mechanism. Affected: yes.

Dr. Peter K. Rogan Lab, Western University
No classification provided (evidence only). Condition: Colorectal cancer. Review status: no classification provided. Collection method: in vitro. Allele origin: not applicable. Functional consequence: skipped exon. Not counted in ClinVar's aggregate classification.

Dr. Peter K. Rogan Lab, Western University
No classification provided (evidence only). Condition: Uterine corpus endometrial carcinoma. Review status: no classification provided. Collection method: in vitro. Allele origin: not applicable. Functional consequence: retained intron. Not counted in ClinVar's aggregate classification.

Dr. Peter K. Rogan Lab, Western University
No classification provided (evidence only). Condition: Uterine corpus endometrial carcinoma. Review status: no classification provided. Collection method: in vitro. Allele origin: not applicable. Functional consequence: retained intron. Not counted in ClinVar's aggregate classification.

Dr. Peter K. Rogan Lab, Western University
No classification provided (evidence only). Condition: Sarcoma. Review status: no classification provided. Collection method: in vitro. Allele origin: not applicable. Functional consequence: skipped exon. Not counted in ClinVar's aggregate classification.

Dr. Peter K. Rogan Lab, Western University
No classification provided (evidence only). Condition: Sarcoma. Review status: no classification provided. Collection method: in vitro. Allele origin: not applicable. Functional consequence: retained intron. Not counted in ClinVar's aggregate classification.

Dr. Peter K. Rogan Lab, Western University
No classification provided (evidence only). Condition: Sarcoma. Review status: no classification provided. Collection method: in vitro. Allele origin: not applicable. Functional consequence: retained intron. Not counted in ClinVar's aggregate classification.

Dr. Peter K. Rogan Lab, Western University
No classification provided (evidence only). Condition: Sarcoma. Review status: no classification provided. Collection method: in vitro. Allele origin: not applicable. Functional consequence: skipped exon, retained intron. Not counted in ClinVar's aggregate classification.

Dr. Peter K. Rogan Lab, Western University
No classification provided (evidence only). Condition: Sarcoma. Review status: no classification provided. Collection method: in vitro. Allele origin: not applicable. Functional consequence: retained intron. Not counted in ClinVar's aggregate classification.

Dr. Peter K. Rogan Lab, Western University
No classification provided (evidence only). Condition: Sarcoma. Review status: no classification provided. Collection method: in vitro. Allele origin: not applicable. Functional consequence: retained intron. Not counted in ClinVar's aggregate classification.

Dr. Peter K. Rogan Lab, Western University
No classification provided (evidence only). Condition: Sarcoma. Review status: no classification provided. Collection method: in vitro. Allele origin: not applicable. Functional consequence: skipped exon, retained intron. Not counted in ClinVar's aggregate classification.

Dr. Peter K. Rogan Lab, Western University
No classification provided (evidence only). Condition: Sarcoma. Review status: no classification provided. Collection method: in vitro. Allele origin: not applicable. Functional consequence: retained intron. Not counted in ClinVar's aggregate classification.

Dr. Peter K. Rogan Lab, Western University
No classification provided (evidence only). Condition: Sarcoma. Review status: no classification provided. Collection method: in vitro. Allele origin: not applicable. Functional consequence: retained intron. Not counted in ClinVar's aggregate classification.

Dr. Peter K. Rogan Lab, Western University
No classification provided (evidence only). Condition: Sarcoma. Review status: no classification provided. Collection method: in vitro. Allele origin: not applicable. Functional consequence: retained intron. Not counted in ClinVar's aggregate classification.

Dr. Peter K. Rogan Lab, Western University
No classification provided (evidence only). Condition: Sarcoma. Review status: no classification provided. Collection method: in vitro. Allele origin: not applicable. Functional consequence: retained intron. Not counted in ClinVar's aggregate classification.

Dr. Peter K. Rogan Lab, Western University
No classification provided (evidence only). Condition: Sarcoma. Review status: no classification provided. Collection method: in vitro. Allele origin: not applicable. Functional consequence: retained intron. Not counted in ClinVar's aggregate classification.

Dr. Peter K. Rogan Lab, Western University
No classification provided (evidence only). Condition: Sarcoma. Review status: no classification provided. Collection method: in vitro. Allele origin: not applicable. Functional consequence: retained intron. Not counted in ClinVar's aggregate classification.

Dr. Peter K. Rogan Lab, Western University
No classification provided (evidence only). Condition: Sarcoma. Review status: no classification provided. Collection method: in vitro. Allele origin: not applicable. Functional consequence: retained intron. Not counted in ClinVar's aggregate classification.

Dr. Peter K. Rogan Lab, Western University
No classification provided (evidence only). Condition: Sarcoma. Review status: no classification provided. Collection method: in vitro. Allele origin: not applicable. Functional consequence: retained intron. Not counted in ClinVar's aggregate classification.

Dr. Peter K. Rogan Lab, Western University
No classification provided (evidence only). Condition: Hepatocellular carcinoma. Review status: no classification provided. Collection method: in vitro. Allele origin: not applicable. Functional consequence: retained intron. Not counted in ClinVar's aggregate classification.

Dr. Peter K. Rogan Lab, Western University
No classification provided (evidence only). Condition: Hepatocellular carcinoma. Review status: no classification provided. Collection method: in vitro. Allele origin: not applicable. Functional consequence: retained intron. Not counted in ClinVar's aggregate classification.

Dr. Peter K. Rogan Lab, Western University
No classification provided (evidence only). Condition: Hepatocellular carcinoma. Review status: no classification provided. Collection method: in vitro. Allele origin: not applicable. Functional consequence: retained intron. Not counted in ClinVar's aggregate classification.

Dr. Peter K. Rogan Lab, Western University
No classification provided (evidence only). Condition: Hepatocellular carcinoma. Review status: no classification provided. Collection method: in vitro. Allele origin: not applicable. Functional consequence: retained intron. Not counted in ClinVar's aggregate classification.

Dr. Peter K. Rogan Lab, Western University
No classification provided (evidence only). Condition: Nonpapillary renal cell carcinoma. Review status: no classification provided. Collection method: in vitro. Allele origin: not applicable. Functional consequence: skipped exon. Not counted in ClinVar's aggregate classification.

Dr. Peter K. Rogan Lab, Western University
No classification provided (evidence only). Condition: Nonpapillary renal cell carcinoma. Review status: no classification provided. Collection method: in vitro. Allele origin: not applicable. Functional consequence: retained intron. Not counted in ClinVar's aggregate classification.

Dr. Peter K. Rogan Lab, Western University
No classification provided (evidence only). Condition: Nonpapillary renal cell carcinoma. Review status: no classification provided. Collection method: in vitro. Allele origin: not applicable. Functional consequence: retained intron. Not counted in ClinVar's aggregate classification.

Dr. Peter K. Rogan Lab, Western University
No classification provided (evidence only). Condition: Nonpapillary renal cell carcinoma. Review status: no classification provided. Collection method: in vitro. Allele origin: not applicable. Functional consequence: retained intron. Not counted in ClinVar's aggregate classification.

Dr. Peter K. Rogan Lab, Western University
No classification provided (evidence only). Condition: Thymoma. Review status: no classification provided. Collection method: in vitro. Allele origin: not applicable. Functional consequence: retained intron. Not counted in ClinVar's aggregate classification.

Dr. Peter K. Rogan Lab, Western University
No classification provided (evidence only). Condition: Thymoma. Review status: no classification provided. Collection method: in vitro. Allele origin: not applicable. Functional consequence: retained intron. Not counted in ClinVar's aggregate classification.

Dr. Peter K. Rogan Lab, Western University
No classification provided (evidence only). Condition: Thymoma. Review status: no classification provided. Collection method: in vitro. Allele origin: not applicable. Functional consequence: skipped exon, retained intron. Not counted in ClinVar's aggregate classification.

Dr. Peter K. Rogan Lab, Western University
No classification provided (evidence only). Condition: Cholangiocarcinoma. Review status: no classification provided. Collection method: in vitro. Allele origin: not applicable. Functional consequence: retained intron. Not counted in ClinVar's aggregate classification.

Dr. Peter K. Rogan Lab, Western University
No classification provided (evidence only). Condition: Gastric cancer. Review status: no classification provided. Collection method: in vitro. Allele origin: not applicable. Functional consequence: retained intron. Not counted in ClinVar's aggregate classification.